The following is an entry in ClinVar:

NM_001048174.2(MUTYH):c.1382C>T (p.Ala461Val)

Gene: MUTYH (mutY DNA glycosylase; minus strand). Cytogenetic location: 1p34.1.
Variant type: single nucleotide variant.
Coding change: c.1382C>T on transcript NM_001048174.2 (MANE Select); coding-DNA position 1382, C replaced by T.
Protein change: p.Ala461Val; replaces alanine 461 with valine.
Molecular consequence: missense variant. On other transcripts: non-coding transcript variant (7).
Genome position (GRCh38, 1-based): chr1:45,331,192, G>A on the plus strand (C>T on the coding strand, the complement: MUTYH is on the minus strand). VCF-style: chr1-45331192-G-A. GRCh37 (hg19) VCF-style: chr1-45796864-G-A.
Other names: c.1382C>T, p.Ala461Val (NM_001048171.2, NM_001048173.2, NM_001293195.2 and 6 more transcripts); c.1385C>T, p.Ala462Val (NM_001048172.2, NM_001407071.1, NM_001407078.1 and 1 more transcripts); c.1466C>T, p.Ala489Val (NM_001128425.2); c.1427C>T, p.Ala476Val (NM_001293190.2); c.1415C>T, p.Ala472Val (NM_001293191.2, NM_001407069.1, NM_001407077.1); c.1106C>T, p.Ala369Val (NM_001293192.2, NM_001293196.2, NM_001407091.1); c.1037C>T, p.Ala346Val (NM_001350650.2, NM_001350651.2, NM_001407082.1); c.1298C>T, p.Ala433Val (NM_001407075.1); and 5 more; short protein forms A346V, A369V, A433V, A447V, A448V, A461V, A462V, A468V.
Identifiers: ClinVar variation 3764162 (VCV003764162.3).

ClinVar aggregate classification (germline): Conflicting classifications of pathogenicity. Review status: criteria provided, conflicting classifications (1 of 4 stars). 2 submissions from 2 submitters: Uncertain significance (1); Likely benign (1). Last evaluated 2025-09-09.

Conditions:
Hereditary cancer-predisposing syndrome. Also called: Neoplastic Syndromes, Hereditary; Tumor predisposition; Hereditary Cancer Syndrome; Hereditary neoplastic syndrome. Identifiers: Orphanet 140162, MedGen C0027672, MeSH D009386, MONDO:0015356.

Submissions (2):

Ambry Genetics
Classification: Likely benign for Hereditary cancer-predisposing syndrome. Last evaluated: 2025-09-09. Review status: criteria provided, single submitter. Criteria: Ambry Variant Classification Scheme 2023. Collection method: clinical testing. Allele origin: germline.

GeneDx
Classification: Uncertain significance. Last evaluated: 2024-08-20. Review status: criteria provided, single submitter. Criteria: GeneDx Variant Classification Process June 2021. Collection method: clinical testing. Allele origin: germline. Affected: yes.
Comment: Not observed at significant frequency in large population cohorts (gnomAD); In silico analysis supports that this missense variant has a deleterious effect on protein structure/function; Has not been previously published as pathogenic or benign to our knowledge

Literature cited by the submitters: PubMed 40738107 (cited by Ambry Genetics).